The following is an entry in ClinVar:

NM_000535.7(PMS2):c.18C>G (p.Ser6Arg)

Gene: PMS2 (PMS1 homolog 2, mismatch repair system component; minus strand). Cytogenetic location: 7p22.1.
Variant type: single nucleotide variant.
Coding change: c.18C>G on transcript NM_000535.7 (MANE Select); coding-DNA position 18, C replaced by G.
Protein change: p.Ser6Arg; replaces serine 6 with arginine.
Molecular consequence: missense variant. On other transcripts: 5 prime UTR variant (11), non-coding transcript variant (1).
Genome position (GRCh38, 1-based): chr7:6,009,002, G>C on the plus strand (C>G on the coding strand, the complement: PMS2 is on the minus strand). VCF-style: chr7-6009002-G-C. GRCh37 (hg19) VCF-style: chr7-6048633-G-C.
Other names: c.-383C>G (NM_001322003.2, NM_001322013.2); c.-248C>G (NM_001322004.2, NM_001322010.2); c.-578C>G (NM_001322005.2); c.18C>G, p.Ser6Arg (NM_001322006.2, NM_001322014.2); c.-198C>G (NM_001322007.2); c.-58C>G (NM_001322008.2); c.-573C>G (NM_001322009.2); c.-867C>G (NM_001322011.2); and 2 more; short protein forms S6R.
Identifiers: ClinVar variation 484261 (VCV000484261.13), dbSNP rs1221290124, ClinGen allele CA366745225.

ClinVar aggregate classification (germline): Uncertain significance. Review status: criteria provided, multiple submitters, no conflicts (2 of 4 stars). 3 submissions from 3 submitters: Uncertain significance (3). Last evaluated 2025-09-08.

Conditions:
Hereditary cancer-predisposing syndrome. Also called: Neoplastic Syndromes, Hereditary; Tumor predisposition; Hereditary Cancer Syndrome; Hereditary neoplastic syndrome. Identifiers: Orphanet 140162, MedGen C0027672, MeSH D009386, MONDO:0015356.
Hereditary nonpolyposis colorectal neoplasms. Identifiers: MedGen C0009405, MeSH D003123.

Allele frequency attached by ClinVar (database versions not stated): gnomAD exomes below 0.00001.
gnomAD v4.1: 1 of 1,612,644 alleles (0.000062%); highest among the groups gnomAD compares: Non-Finnish European, 0.000085%; no homozygotes.

Submissions (3):

Labcorp Genetics (formerly Invitae), Labcorp
Classification: Uncertain significance for Hereditary nonpolyposis colorectal neoplasms. Last evaluated: 2025-09-08. Review status: criteria provided, single submitter. Criteria: Invitae Variant Classification Sherloc (09022015). Collection method: clinical testing. Allele origin: germline.
Comment: This sequence change replaces serine, which is neutral and polar, with arginine, which is basic and polar, at codon 6 of the PMS2 protein (p.Ser6Arg). This variant is not present in population databases (gnomAD no frequency). This variant has not been reported in the literature in individuals affected with PMS2-related conditions. ClinVar contains an entry for this variant (Variation ID: 484261). Invitae Evidence Modeling incorporating data from in vitro experimental studies (internal data) indicates that this missense variant is not expected to disrupt PMS2 function with a negative predictive value of 95%. In summary, the available evidence is currently insufficient to determine the role of this variant in disease. Therefore, it has been classified as a Variant of Uncertain Significance.

Ambry Genetics
Classification: Uncertain significance for Hereditary cancer-predisposing syndrome. Last evaluated: 2024-09-12. Review status: criteria provided, single submitter. Criteria: Ambry Variant Classification Scheme 2023. Collection method: clinical testing. Allele origin: germline.
Comment: The p.S6R variant (also known as c.18C>G), located in coding exon 1 of the PMS2 gene, results from a C to G substitution at nucleotide position 18. The serine at codon 6 is replaced by arginine, an amino acid with dissimilar properties. This amino acid position is poorly conserved on limited sequence alignment. In addition, the in silico prediction for this alteration is inconclusive. Since supporting evidence is limited at this time, the clinical significance of this alteration remains unclear.

Color Diagnostics, LLC DBA Color Health
Classification: Uncertain significance for Hereditary cancer-predisposing syndrome. Last evaluated: 2022-10-31. Review status: criteria provided, single submitter. Criteria: ACMG Guidelines, 2015. Collection method: clinical testing. Allele origin: germline.
Comment: This missense variant replaces serine with arginine at codon 6 of the PMS2 protein. Computational prediction suggests that this variant may not impact protein structure and function (internally defined REVEL score threshold <= 0.5, PMID: 27666373). To our knowledge, functional studies have not been reported for this variant. This variant has not been reported in individuals affected with hereditary cancer in the literature. This variant has not been identified in the general population by the Genome Aggregation Database (gnomAD). The available evidence is insufficient to determine the role of this variant in disease conclusively. Therefore, this variant is classified as a Variant of Uncertain Significance.